The following is an entry in ClinVar:

ClinVar aggregate classification (germline): Benign/Likely benign. Review status: criteria provided, multiple submitters, no conflicts (2 of 4 stars). 14 submissions from 14 submitters: Benign (10); Likely benign (2). 2 of the submissions do not count toward it. Last evaluated 2026-02-03.

Conditions:
Cardiovascular phenotype. Identifiers: MedGen CN230736.
Familial isolated arrhythmogenic right ventricular dysplasia. Identifiers: Orphanet 217656, MedGen C4274968, MONDO:0016342.
Cardiomyopathy (CMYO). Also called: Cardiomyopathies. Identifiers: Orphanet 167848, MedGen C0878544, MONDO:0004994, HP:0001638. Inheritance: Various modes of inheritance.
Arrhythmogenic right ventricular dysplasia 11. Also called: Arrhythmogenic Right Ventricular Dysplasia/Cardiomyopathy11; ARRHYTHMOGENIC RIGHT VENTRICULAR DYSPLASIA, FAMILIAL, 11; Arrhythmogenic right ventricular dysplasia 11 with mild palmoplantar keratoderma and woolly hair. Identifiers: MedGen C1864850, MONDO:0012506, OMIM 610476.

Allele frequency attached by ClinVar (database versions not stated): gnomAD exomes 0.00025 and 0.00069; ExAC 0.00090; 1000 Genomes Project 30x 0.00234; 1000 Genomes Project 0.00260; gnomAD 0.00265 and 0.00292; TOPMed 0.00295; ESP Exome Variant Server 0.00369.

Submissions (14):

Labcorp Genetics (formerly Invitae), Labcorp
Classification: Benign for Arrhythmogenic right ventricular dysplasia 11. Last evaluated: 2026-02-03. Review status: criteria provided, single submitter. Criteria: Invitae Variant Classification Sherloc (09022015). Collection method: clinical testing. Allele origin: germline.

ARUP Laboratories, Molecular Genetics and Genomics, ARUP Laboratories
Classification: Likely benign. Last evaluated: 2025-07-08. Review status: criteria provided, single submitter. Criteria: ARUP Molecular Germline Variant Investigation Process 2024. Collection method: clinical testing. Allele origin: germline.

Molecular Diagnostic Laboratory for Inherited Cardiovascular Disease, Montreal Heart Institute
Classification: Benign. Last evaluated: 2025-04-09. Review status: criteria provided, single submitter. Criteria: ACMG Guidelines, 2015. Collection method: clinical testing. Allele origin: germline. Affected: no.

Blueprint Genetics
Classification: Likely benign. Last evaluated: 2024-11-13. Review status: criteria provided, single submitter. Criteria: ACMG Guidelines, 2015. Collection method: clinical testing. Allele origin: germline.

All of Us Research Program, National Institutes of Health
Classification: Benign for Familial isolated arrhythmogenic right ventricular dysplasia. Last evaluated: 2024-09-23. Review status: criteria provided, single submitter. Criteria: ACMG Guidelines, 2015. Collection method: clinical testing. Allele origin: germline. Inheritance: Autosomal dominant inheritance. Observed: 228 variant alleles, 227 heterozygotes, 1 homozygote.
Comment: This study involves interpretation of variants in research participants for the purpose of population health screening. Participant phenotype was not available at the time of variant classification. Additional details can be found in publication PMID: 35346344, PMCID: PMC8962531

Color Diagnostics, LLC DBA Color Health
Classification: Benign for Cardiomyopathy. Last evaluated: 2018-10-16. Review status: criteria provided, single submitter. Criteria: ACMG Guidelines, 2015. Collection method: clinical testing. Allele origin: germline.

CHEO Genetics Diagnostic Laboratory, Children's Hospital of Eastern Ontario
Classification: Benign for Cardiomyopathy. Last evaluated: 2017-08-22. Review status: criteria provided, single submitter. Criteria: ACMG Guidelines, 2015. Collection method: clinical testing. Allele origin: germline. Study: Canadian Open Genetics Repository.

Clinical Genetics DNA and cytogenetics Diagnostics Lab, Erasmus MC, Erasmus Medical Center
Classification: Benign for Arrhythmogenic right ventricular dysplasia 11. Last evaluated: 2017-06-28. Review status: criteria provided, single submitter. Criteria: ACGS Guidelines, 2013. Collection method: clinical testing. Allele origin: germline. Affected: yes. Study: VKGL Data-share Consensus.

Mayo Clinic Laboratories, Mayo Clinic
Classification: Benign. Last evaluated: 2016-02-17. Review status: criteria provided, single submitter. Criteria: ACMG Guidelines, 2015. Collection method: clinical testing. Allele origin: germline. Observed: 8 variant alleles.

Ambry Genetics
Classification: Benign for Cardiovascular phenotype. Last evaluated: 2015-06-25. Review status: criteria provided, single submitter. Criteria: Ambry Variant Classification Scheme 2023. Collection method: clinical testing. Allele origin: germline.

GeneDx
Classification: Benign. Last evaluated: 2015-03-03. Review status: criteria provided, single submitter. Criteria: GeneDx Variant Classification Process June 2021. Collection method: clinical testing. Allele origin: germline. Affected: yes.

Laboratory for Molecular Medicine, Mass General Brigham Personalized Medicine
Classification: Benign. Last evaluated: 2012-03-19. Review status: criteria provided, single submitter. Criteria: LMM Criteria. Collection method: clinical testing. Allele origin: germline. Observed: 3 variant alleles.
Comment: c.1264-5C>T in Intron 09 of DSC2: This variant is not expected to have clinical significance because it has been identified in 1.0% (38/3738) of African America n chromosomes from a broad population by the NHLBI Exome Sequencing Project.

Clinical Genetics, Academic Medical Center
Classification: Benign. Review status: no assertion criteria provided. Collection method: clinical testing. Allele origin: germline. Affected: yes. Study: VKGL Data-share Consensus. Not counted in ClinVar's aggregate classification.

Joint Genome Diagnostic Labs from Nijmegen and Maastricht, Radboudumc and MUMC+
Classification: Benign. Review status: no assertion criteria provided. Collection method: clinical testing. Allele origin: germline. Affected: yes. Study: VKGL Data-share Consensus. Not counted in ClinVar's aggregate classification.

NM_024422.6(DSC2):c.1264-5C>T

Gene: DSC2 (desmocollin 2; minus strand). Cytogenetic location: 18q12.1.
Variant type: single nucleotide variant.
Coding change: c.1264-5C>T on transcript NM_024422.6 (MANE Select); 5 bases into the intron before coding-DNA position 1264, C replaced by T.
Molecular consequence: intron variant.
Genome position (GRCh38, 1-based): chr18:31,080,357, G>A on the plus strand (C>T on the coding strand, the complement: DSC2 is on the minus strand). VCF-style: chr18-31080357-G-A. GRCh37 (hg19) VCF-style: chr18-28660323-G-A.
Other names: p.?; c.1264-5C>T (NM_004949.5).
Identifiers: ClinVar variation 46165 (VCV000046165.42), dbSNP rs183614856, ClinGen allele CA022440.